The following is an entry in ClinVar:

NM_000154.2(GALK1):c.830G>A (p.Arg277Gln)

Gene: GALK1 (galactokinase 1; minus strand). Cytogenetic location: 17q25.1.
Variant type: single nucleotide variant.
Coding change: c.830G>A on transcript NM_000154.2 (MANE Select); coding-DNA position 830, G replaced by A.
Protein change: p.Arg277Gln; replaces arginine 277 with glutamine.
Molecular consequence: missense variant.
Genome position (GRCh38, 1-based): chr17:75,758,563, C>T on the plus strand (G>A on the coding strand, the complement: GALK1 is on the minus strand). VCF-style: chr17-75758563-C-T. GRCh37 (hg19) VCF-style: chr17-73754644-C-T.
Other names: short protein forms R277Q.
Identifiers: ClinVar variation 557402 (VCV000557402.4), dbSNP rs370029131, ClinGen allele CA8770813.
Genomic context (GRCh38, chr17:75,758,563, plus strand): 5'-CGTCTCAGGGCGGCCGCTGCCTGGGCCGTGCGCCGAATCTCCCCCACCACGTGCCGGGCC[C>T]GCCGGAAGCCCTCTTTGCTCACCAGGTCCCTGGCAGCTGGGGAGGAAAGAGGAGTCAGCA-3'
Protein context (NP_000145.1, residues 267-287): RDLVSKEGFR[Arg277Gln]ARHVVGEIRR

ClinVar aggregate classification (germline): Uncertain significance. Review status: criteria provided, single submitter (1 of 4 stars). 2 submissions from 2 submitters: Uncertain significance (1). 1 of the submissions does not count toward it. Last evaluated 2025-12-23.

Conditions:
Deficiency of galactokinase. Also called: GALACTOSEMIA II; Galactokinase deficiency with cataracts. Identifiers: Orphanet 352, Orphanet 79237, MedGen C0268155, MONDO:0009255, OMIM 230200.

Allele frequency attached by ClinVar (database versions not stated): gnomAD exomes 0.00001 and 0.00005; TOPMed 0.00004; ExAC 0.00013; ESP Exome Variant Server 0.00016; 1000 Genomes Project 0.00040; 1000 Genomes Project 30x 0.00078.
gnomAD v4.1: 37 of 1,596,756 alleles (0.0023%); highest among the groups gnomAD compares: African/African-American, 0.033%; no homozygotes.

Submissions (2):

Women's Health and Genetics/Laboratory Corporation of America, LabCorp
Classification: Uncertain significance. Last evaluated: 2025-12-23. Review status: criteria provided, single submitter. Criteria: LabCorp Variant Classification Summary - May 2015. Collection method: clinical testing. Allele origin: germline.
Comment: Variant summary: GALK1 c.830G>A (p.Arg277Gln) results in a conservative amino acid change in the encoded protein sequence. Algorithms developed to predict the effect of missense changes on protein structure and function are either unavailable or do not agree on the potential impact of this missense change. The variant allele was found at a frequency of 4.5e-05 in 220888 control chromosomes. This frequency is not significantly higher than estimated for disease-causing variants in GALK1, allowing no conclusion about variant significance. c.830G>A has been observed in individual(s) affected with Deficiency Of Galactokinase (Park_2007). These data do not allow any conclusion about variant significance. At least one publication reports experimental evidence evaluating an impact on protein function. The most pronounced variant effect results in 10%-15% of normal GALK activity in vitro (Park_2007). The following publication has been ascertained in the context of this evaluation (PMID: 17517531). ClinVar contains an entry for this variant (Variation ID: 557402). Based on the evidence outlined above, the variant was classified as VUS-possibly pathogenic.

Counsyl
Classification: Uncertain significance for Deficiency of galactokinase. Last evaluated: 2018-03-23. Review status: no assertion criteria provided. Collection method: clinical testing. Allele origin: unknown. Not counted in ClinVar's aggregate classification.

Literature cited by the submitters: PubMed 17517531 (cited by Women's Health and Genetics/Laboratory Corporation of America, LabCorp and Counsyl).